The following is an entry in ClinVar:

ClinVar aggregate classification (germline): Uncertain significance. Review status: criteria provided, multiple submitters, no conflicts (2 of 4 stars). 2 submissions from 2 submitters: Uncertain significance (2). Last evaluated 2025-08-25.

Conditions:
Inborn genetic diseases. Identifiers: MedGen C0950123, MeSH D030342.

Allele frequency attached by ClinVar (database versions not stated): gnomAD 0.00001; TOPMed 0.00003.
gnomAD v4.1: 41 of 1,563,284 alleles (0.0026%); highest among the groups gnomAD compares: Middle Eastern, 0.022%; no homozygotes.

Submissions (2):

Ambry Genetics
Classification: Uncertain significance for Inborn genetic diseases. Last evaluated: 2025-08-25. Review status: criteria provided, single submitter. Criteria: Ambry Variant Classification Scheme 2023. Collection method: clinical testing. Allele origin: germline.

Labcorp Genetics (formerly Invitae), Labcorp
Classification: Uncertain significance. Last evaluated: 2022-07-13. Review status: criteria provided, single submitter. Criteria: Invitae Variant Classification Sherloc (09022015). Collection method: clinical testing. Allele origin: germline.
Comment: This sequence change replaces arginine, which is basic and polar, with glutamine, which is neutral and polar, at codon 778 of the VAC14 protein (p.Arg778Gln). This variant is present in population databases (rs771375946, gnomAD 0.01%). This variant has not been reported in the literature in individuals affected with VAC14-related conditions. Algorithms developed to predict the effect of missense changes on protein structure and function are either unavailable or do not agree on the potential impact of this missense change (SIFT: "Tolerated"; PolyPhen-2: "Probably Damaging"; Align-GVGD: "Class C0"). In summary, the available evidence is currently insufficient to determine the role of this variant in disease. Therefore, it has been classified as a Variant of Uncertain Significance.

NM_018052.5(VAC14):c.2333G>A (p.Arg778Gln)

Gene: VAC14 (VAC14 component of PIKFYVE complex; minus strand). Cytogenetic location: 16q22.1.
Variant type: single nucleotide variant.
Coding change: c.2333G>A on transcript NM_018052.5 (MANE Select); coding-DNA position 2333, G replaced by A.
Protein change: p.Arg778Gln; replaces arginine 778 with glutamine.
Molecular consequence: missense variant.
Genome position (GRCh38, 1-based): chr16:70,687,944, C>T on the plus strand (G>A on the coding strand, the complement: VAC14 is on the minus strand). VCF-style: chr16-70687944-C-T. GRCh37 (hg19) VCF-style: chr16-70721847-C-T.
Other names: c.1631G>A, p.Arg544Gln (NM_001351157.2); c.2333G>A (NM_018052.3); short protein forms R544Q, R778Q.
Identifiers: ClinVar variation 1933316 (VCV001933316.3), dbSNP rs771375946, ClinGen allele CA8147317.